The following is an entry in ClinVar:

NM_003737.4(DCHS1):c.8666G>A (p.Arg2889Gln)

Gene: DCHS1 (dachsous cadherin-related 1; minus strand). Cytogenetic location: 11p15.4.
Variant type: single nucleotide variant.
Coding change: c.8666G>A on transcript NM_003737.4 (MANE Select); coding-DNA position 8666, G replaced by A.
Protein change: p.Arg2889Gln; replaces arginine 2889 with glutamine.
Molecular consequence: missense variant.
Genome position (GRCh38, 1-based): chr11:6,623,010, C>T on the plus strand (G>A on the coding strand, the complement: DCHS1 is on the minus strand). VCF-style: chr11-6623010-C-T. GRCh37 (hg19) VCF-style: chr11-6644241-C-T.
Other names: c.8666G>A (NM_003737.2, NM_003737.3); short protein forms R2889Q.
Identifiers: ClinVar variation 1485718 (VCV001485718.11), dbSNP rs372734296, ClinGen allele CA5859381.
Genomic context (GRCh38, chr11:6,623,010, plus strand): 5'-GGCAGAGGCCCCCGTGCTATCACCTCCAGCCTCAGCTCCCGTGGTGCTTCCCGCCGGGTC[C>T]GGCCCCCACCCCCAGAGGTGGCTGTTCCGCTGCCTGGTGCCCGACTGTCCACCCGCAGGT-3'
Protein context (NP_003728.1, residues 2879-2899): SGTATSGGGG[Arg2889Gln]TRREAPRELR

ClinVar aggregate classification (germline): Uncertain significance. Review status: criteria provided, multiple submitters, no conflicts (2 of 4 stars). 3 submissions from 3 submitters: Uncertain significance (3). Last evaluated 2025-08-20.

Conditions:
Inborn genetic diseases. Identifiers: MedGen C0950123, MeSH D030342.

Allele frequency attached by ClinVar (database versions not stated): gnomAD 0.00003 and 0.00004; TOPMed 0.00003; gnomAD exomes 0.00006 and 0.00009; ESP Exome Variant Server 0.00008; ExAC 0.00010.
gnomAD v4.1: 135 of 1,571,174 alleles (0.0086%); highest among the groups gnomAD compares: Non-Finnish European, 0.011%; no homozygotes.

Submissions (3):

Labcorp Genetics (formerly Invitae), Labcorp
Classification: Uncertain significance. Last evaluated: 2025-08-20. Review status: criteria provided, single submitter. Criteria: Invitae Variant Classification Sherloc (09022015). Collection method: clinical testing. Allele origin: germline.
Comment: This sequence change replaces arginine, which is basic and polar, with glutamine, which is neutral and polar, at codon 2889 of the DCHS1 protein (p.Arg2889Gln). The frequency data for this variant in the population databases is considered unreliable, as metrics indicate poor data quality at this position in the gnomAD database. This variant has not been reported in the literature in individuals affected with DCHS1-related conditions. ClinVar contains an entry for this variant (Variation ID: 1485718). Invitae Evidence Modeling of protein sequence and biophysical properties (such as structural, functional, and spatial information, amino acid conservation, physicochemical variation, residue mobility, and thermodynamic stability) has been performed for this missense variant. However, the output from this modeling did not meet the statistical confidence thresholds required to predict the impact of this variant on DCHS1 protein function. In summary, the available evidence is currently insufficient to determine the role of this variant in disease. Therefore, it has been classified as a Variant of Uncertain Significance.

Ambry Genetics
Classification: Uncertain significance for Inborn genetic diseases. Last evaluated: 2025-08-04. Review status: criteria provided, single submitter. Criteria: Ambry Variant Classification Scheme 2023. Collection method: clinical testing. Allele origin: germline.

GeneDx
Classification: Uncertain significance. Last evaluated: 2025-06-26. Review status: criteria provided, single submitter. Criteria: GeneDx Variant Classification Process June 2021. Collection method: clinical testing. Allele origin: germline. Affected: yes.
Comment: In silico analysis suggests that this missense variant does not alter protein structure/function; Has not been previously published as pathogenic or benign to our knowledge